The following is an entry in ClinVar:

NM_014915.3(ANKRD26):c.4759C>T (p.Leu1587Phe)

Gene: ANKRD26 (ankyrin repeat domain 26; minus strand). Cytogenetic location: 10p12.1.
Variant type: single nucleotide variant.
Coding change: c.4759C>T on transcript NM_014915.3 (MANE Select); coding-DNA position 4759, C replaced by T.
Protein change: p.Leu1587Phe; replaces leucine 1587 with phenylalanine.
Molecular consequence: missense variant.
Genome position (GRCh38, 1-based): chr10:27,013,076, G>A on the plus strand (C>T on the coding strand, the complement: ANKRD26 is on the minus strand). VCF-style: chr10-27013076-G-A. GRCh37 (hg19) VCF-style: chr10-27302005-G-A.
Other names: c.4756C>T, p.Leu1586Phe (NM_001256053.2); short protein forms L1586F, L1587F.
Identifiers: ClinVar variation 5023614 (VCV005023614.1).
Genomic context (GRCh38, chr10:27,013,076, plus strand): 5'-TGACTGGCCTGGTAGTGAGAGTGGTGAACAAAGATCTGCTCTGCTGTTTTTCCACAAGAA[G>A]TTTGGTGTTGACCTCTGCTAGCCTCTCATTAGTTCTGTGAAGATTGCAGAAGACACATGC-3'
Protein context (NP_055730.2, residues 1577-1597): NERLAEVNTK[Leu1587Phe]LVEKQQSRSL

ClinVar aggregate classification (germline): Uncertain significance (1 of 4 stars; one submission).

Conditions:
Inborn genetic diseases. Identifiers: MedGen C0950123, MeSH D030342.

Submission:

Ambry Genetics
Classification: Uncertain significance for Inborn genetic diseases. Last evaluated: 2026-08-23. Review status: criteria provided, single submitter. Criteria: Ambry Variant Classification Scheme 2023. Collection method: clinical testing. Allele origin: germline.
Comment: The p.L1587F variant (also known as c.4759C>T), located in coding exon 32 of the ANKRD26 gene, results from a C to T substitution at nucleotide position 4759. The leucine at codon 1587 is replaced by phenylalanine, an amino acid with highly similar properties. This amino acid position is conserved. In addition, this alteration is predicted to be tolerated by in silico analysis. Based on the available evidence, the clinical significance of this variant remains unclear.